The following is an entry in ClinVar:

ClinVar aggregate classification (germline): Pathogenic (1 of 4 stars; one submission).

Submission:

Labcorp Genetics (formerly Invitae), Labcorp
Classification: Pathogenic. Last evaluated: 2022-09-12. Review status: criteria provided, single submitter. Criteria: Invitae Variant Classification Sherloc (09022015). Collection method: clinical testing. Allele origin: germline.
Comment: A gross deletion of the genomic region encompassing the full coding sequence of the TYMP gene has been identified. Loss-of-function variants in TYMP are known to be pathogenic (PMID: 9924029, 15781193). The boundaries of this event are unknown as they extend beyond the assayed region for this gene and therefore may encompass additional genes. This variant has not been reported in the literature in individuals affected with TYMP-related conditions. For these reasons, this variant has been classified as Pathogenic.

Literature cited by the submitters: PubMed 9924029; PubMed 15781193.

NC_000022.10:g.(?_50964189)_(51066217_?)del

Genes: MAPK8IP2 (mitogen-activated protein kinase 8 interacting protein 2; plus strand), ARSA (arylsulfatase A; minus strand), CHKB (choline kinase beta; minus strand), CIMAP1B (ciliary microtubule associated protein 1B; minus strand), CPT1B (carnitine palmitoyltransferase 1B; minus strand) and 4 more. Cytogenetic location: 22q13.33.
Variant type: Deletion.
Identifiers: ClinVar variation 831358 (VCV000831358.2).